The following is an entry in ClinVar:

NM_004369.4(COL6A3):c.5143A>G (p.Arg1715Gly)

Gene: COL6A3 (collagen type VI alpha 3 chain; minus strand). Cytogenetic location: 2q37.3.
Variant type: single nucleotide variant.
Coding change: c.5143A>G on transcript NM_004369.4 (MANE Select); coding-DNA position 5143, A replaced by G.
Protein change: p.Arg1715Gly; replaces arginine 1715 with glycine.
Molecular consequence: missense variant.
Genome position (GRCh38, 1-based): chr2:237,367,044, T>C on the plus strand (A>G on the coding strand, the complement: COL6A3 is on the minus strand). VCF-style: chr2-237367044-T-C. GRCh37 (hg19) VCF-style: chr2-238275687-T-C.
Other names: c.3322A>G, p.Arg1108Gly (NM_057166.5); c.4525A>G, p.Arg1509Gly (NM_057167.4); short protein forms R1509G, R1108G, R1715G.
Identifiers: ClinVar variation 1361528 (VCV001361528.8), dbSNP rs1365983591, ClinGen allele CA351188449.

ClinVar aggregate classification (germline): Uncertain significance (1 of 4 stars; one submission).

Conditions:
Bethlem myopathy 1A. Also called: MYOPATHY, BENIGN CONGENITAL, WITH CONTRACTURES; Bethlem Muscular Dystrophy; Bethlem myopathy 1. Identifiers: Orphanet 610, MedGen CN029274, MONDO:0024530, OMIM 158810.

Allele frequency attached by ClinVar (database versions not stated): gnomAD exomes below 0.00001; gnomAD 0.00001.
gnomAD v4.1: 7 of 1,614,134 alleles (0.00043%); highest among the groups gnomAD compares: Admixed American, 0.0017%; no homozygotes.

Submission:

Labcorp Genetics (formerly Invitae), Labcorp
Classification: Uncertain significance for Bethlem myopathy 1A. Last evaluated: 2022-08-09. Review status: criteria provided, single submitter. Criteria: Invitae Variant Classification Sherloc (09022015). Collection method: clinical testing. Allele origin: germline.
Comment: This sequence change replaces arginine, which is basic and polar, with glycine, which is neutral and non-polar, at codon 1715 of the COL6A3 protein (p.Arg1715Gly). In summary, the available evidence is currently insufficient to determine the role of this variant in disease. Therefore, it has been classified as a Variant of Uncertain Significance. Advanced modeling of protein sequence and biophysical properties (such as structural, functional, and spatial information, amino acid conservation, physicochemical variation, residue mobility, and thermodynamic stability) performed at Invitae indicates that this missense variant is not expected to disrupt COL6A3 protein function. ClinVar contains an entry for this variant (Variation ID: 1361528). This variant has not been reported in the literature in individuals affected with COL6A3-related conditions. This variant is present in population databases (no rsID available, gnomAD 0.007%).